The following is an entry in ClinVar:

NM_018975.4(TERF2IP):c.601C>T (p.Pro201Ser)

Gene: TERF2IP (TERF2 interacting protein; plus strand). Cytogenetic location: 16q23.1.
Variant type: single nucleotide variant.
Coding change: c.601C>T on transcript NM_018975.4 (MANE Select); coding-DNA position 601, C replaced by T.
Protein change: p.Pro201Ser; replaces proline 201 with serine.
Molecular consequence: missense variant. On other transcripts: non-coding transcript variant (1).
Genome position (GRCh38, 1-based): chr16:75,648,483, C>T. VCF-style: chr16-75648483-C-T. GRCh37 (hg19) VCF-style: chr16-75682381-C-T.
Other names: short protein forms P201S.
Identifiers: ClinVar variation 2448543 (VCV002448543.2), dbSNP rs2507075118, ClinGen allele CA396818259.

ClinVar aggregate classification (germline): Uncertain significance (1 of 4 stars; one submission).

Submission:

Ambry Genetics
Classification: Uncertain significance. Last evaluated: 2023-01-31. Review status: criteria provided, single submitter. Criteria: Ambry Variant Classification Scheme 2023. Collection method: clinical testing. Allele origin: germline.
Comment: The p.P201S variant (also known as c.601C>T), located in coding exon 1 of the TERF2IP gene, results from a C to T substitution at nucleotide position 601. The proline at codon 201 is replaced by serine, an amino acid with similar properties. This amino acid position is conserved. In addition, this alteration is predicted to be tolerated by in silico analysis. Since supporting evidence is limited at this time, the clinical significance of this alteration remains unclear.